The following is an entry in ClinVar:

NM_005585.5(SMAD6):c.596G>A (p.Gly199Asp)

Gene: SMAD6 (SMAD family member 6; plus strand). Cytogenetic location: 15q22.31.
Variant type: single nucleotide variant.
Coding change: c.596G>A on transcript NM_005585.5 (MANE Select); coding-DNA position 596, G replaced by A.
Protein change: p.Gly199Asp; replaces glycine 199 with aspartic acid.
Molecular consequence: missense variant. On other transcripts: non-coding transcript variant (1).
Genome position (GRCh38, 1-based): chr15:66,703,854, G>A. VCF-style: chr15-66703854-G-A. GRCh37 (hg19) VCF-style: chr15-66996192-G-A.
Other names: short protein forms G199D.
Identifiers: ClinVar variation 3664795 (VCV003664795.2).

ClinVar aggregate classification (germline): Uncertain significance (1 of 4 stars; one submission).

Conditions:
Aortic valve disease 2 (AOVD2). Identifiers: MedGen C3542024, MONDO:0013902, OMIM 614823.

gnomAD v4.1: 6 of 1,352,406 alleles (0.00044%); highest among the groups gnomAD compares: South Asian, 0.0035%; no homozygotes.

Submission:

Labcorp Genetics (formerly Invitae), Labcorp
Classification: Uncertain significance for Aortic valve disease 2. Last evaluated: 2024-09-28. Review status: criteria provided, single submitter. Criteria: Invitae Variant Classification Sherloc (09022015). Collection method: clinical testing. Allele origin: germline.
Comment: This sequence change replaces glycine, which is neutral and non-polar, with aspartic acid, which is acidic and polar, at codon 199 of the SMAD6 protein (p.Gly199Asp). The frequency data for this variant in the population databases is considered unreliable, as metrics indicate poor data quality at this position in the gnomAD database. This variant has not been reported in the literature in individuals affected with SMAD6-related conditions. Invitae Evidence Modeling of protein sequence and biophysical properties (such as structural, functional, and spatial information, amino acid conservation, physicochemical variation, residue mobility, and thermodynamic stability) indicates that this missense variant is not expected to disrupt SMAD6 protein function with a negative predictive value of 80%. In summary, the available evidence is currently insufficient to determine the role of this variant in disease. Therefore, it has been classified as a Variant of Uncertain Significance.